The following is an entry in ClinVar:

ClinVar aggregate classification (germline): Uncertain significance (1 of 4 stars; one submission).

Conditions:
Familial sleep-related hypermotor epilepsy. Also called: Autosomal Dominant Sleep-Related Hypermotor (Hyperkinetic) Epilepsy. Identifiers: Orphanet 98784, MedGen C3696898, MONDO:0000030.

Allele frequency attached by ClinVar (database versions not stated): gnomAD 0.00001 and 0.00002; TOPMed 0.00001; ExAC 0.00001; gnomAD exomes below 0.00001.

Submission:

Labcorp Genetics (formerly Invitae), Labcorp
Classification: Uncertain significance. Last evaluated: 2022-07-26. Review status: criteria provided, single submitter. Criteria: Invitae Variant Classification Sherloc (09022015). Collection method: clinical testing. Allele origin: germline.
Comment: ClinVar contains an entry for this variant (Variation ID: 1512754). This variant has not been reported in the literature in individuals affected with CHRNA2-related conditions. This variant is present in population databases (rs748755253, gnomAD 0.007%). This sequence change replaces methionine, which is neutral and non-polar, with isoleucine, which is neutral and non-polar, at codon 139 of the CHRNA2 protein (p.Met139Ile). Advanced modeling of protein sequence and biophysical properties (such as structural, functional, and spatial information, amino acid conservation, physicochemical variation, residue mobility, and thermodynamic stability) performed at Invitae indicates that this missense variant is not expected to disrupt CHRNA2 protein function. In summary, the available evidence is currently insufficient to determine the role of this variant in disease. Therefore, it has been classified as a Variant of Uncertain Significance.

NM_000742.4(CHRNA2):c.417G>T (p.Met139Ile)

Gene: CHRNA2 (cholinergic receptor nicotinic alpha 2 subunit; minus strand). Cytogenetic location: 8p21.2.
Variant type: single nucleotide variant.
Coding change: c.417G>T on transcript NM_000742.4 (MANE Select); coding-DNA position 417, G replaced by T.
Protein change: p.Met139Ile; replaces methionine 139 with isoleucine.
Molecular consequence: missense variant. On other transcripts: 5 prime UTR variant (4).
Genome position (GRCh38, 1-based): chr8:27,467,261, C>A on the plus strand (G>T on the coding strand, the complement: CHRNA2 is on the minus strand). VCF-style: chr8-27467261-C-A. GRCh37 (hg19) VCF-style: chr8-27324778-C-A.
Other names: c.372G>T, p.Met124Ile (NM_001282455.2); c.-56G>T (NM_001347705.2, NM_001347706.2); c.-42G>T (NM_001347707.2); c.-45G>T (NM_001347708.2); short protein forms M139I, M124I.
Identifiers: ClinVar variation 1512754 (VCV001512754.8), dbSNP rs748755253, ClinGen allele CA4689675.